The following is an entry in ClinVar:

NM_001003800.2(BICD2):c.2065C>G (p.Gln689Glu)

Gene: BICD2 (BICD cargo adaptor 2; minus strand). Cytogenetic location: 9q22.31.
Variant type: single nucleotide variant.
Coding change: c.2065C>G on transcript NM_001003800.2 (MANE Select); coding-DNA position 2065, C replaced by G.
Protein change: p.Gln689Glu; replaces glutamine 689 with glutamic acid.
Molecular consequence: missense variant.
Genome position (GRCh38, 1-based): chr9:92,718,580, G>C on the plus strand (C>G on the coding strand, the complement: BICD2 is on the minus strand). VCF-style: chr9-92718580-G-C. GRCh37 (hg19) VCF-style: chr9-95480862-G-C.
Other names: c.2065C>G, p.Gln689Glu (NM_015250.4); short protein forms Q689E.
Identifiers: ClinVar variation 2807945 (VCV002807945.3), dbSNP rs2490442717, ClinGen allele CA374033949.
Genomic context (GRCh38, chr9:92,718,580, plus strand): 5'-CTGCTGCCTGGCACCTCACCTGCTTGTTGGCCTTGAGCACAGTGCGCAGCGTGGTGATCT[G>C]CTCCCGCTTGGTGCTGAGCAGCGACTTCAGCTTGAGGATCTCCTCCATAAGCGCTTCCTT-3'
Protein context (NP_001003800.1, residues 679-699): LKSLLSTKRE[Gln689Glu]ITTLRTVLKA

ClinVar aggregate classification (germline): Uncertain significance (1 of 4 stars; one submission).

Conditions:
Autosomal dominant childhood-onset proximal spinal muscular atrophy with contractures (SMALED2A). Also called: SPINAL MUSCULAR ATROPHY, LOWER EXTREMITY-PREDOMINANT, 2A, CHILDHOOD ONSET, AUTOSOMAL DOMINANT; Spinal muscular atrophy, lower extremity-predominant, 2A, autosomal dominant. Identifiers: Orphanet 363447, Orphanet 363454, MedGen C4747715, MONDO:0014121, OMIM 615290.

Submission:

Labcorp Genetics (formerly Invitae), Labcorp
Classification: Uncertain significance for Autosomal dominant childhood-onset proximal spinal muscular atrophy with contractures. Last evaluated: 2023-11-24. Review status: criteria provided, single submitter. Criteria: Invitae Variant Classification Sherloc (09022015). Collection method: clinical testing. Allele origin: germline.
Comment: This sequence change replaces glutamine, which is neutral and polar, with glutamic acid, which is acidic and polar, at codon 689 of the BICD2 protein (p.Gln689Glu). This variant is not present in population databases (gnomAD no frequency). This variant has not been reported in the literature in individuals affected with BICD2-related conditions. Advanced modeling of protein sequence and biophysical properties (such as structural, functional, and spatial information, amino acid conservation, physicochemical variation, residue mobility, and thermodynamic stability) performed at Invitae indicates that this missense variant is expected to disrupt BICD2 protein function with a positive predictive value of 80%. In summary, the available evidence is currently insufficient to determine the role of this variant in disease. Therefore, it has been classified as a Variant of Uncertain Significance.